The following is an entry in ClinVar:

NM_001197104.2(KMT2A):c.2423A>G (p.Glu808Gly)

Gene: KMT2A (lysine methyltransferase 2A; plus strand). Cytogenetic location: 11q23.3.
Variant type: single nucleotide variant.
Coding change: c.2423A>G on transcript NM_001197104.2 (MANE Select); coding-DNA position 2423, A replaced by G.
Protein change: p.Glu808Gly; replaces glutamic acid 808 with glycine.
Molecular consequence: missense variant.
Genome position (GRCh38, 1-based): chr11:118,473,582, A>G. VCF-style: chr11-118473582-A-G. GRCh37 (hg19) VCF-style: chr11-118344297-A-G.
Other names: c.2522A>G, p.Glu841Gly (NM_001412597.1); c.2423A>G, p.Glu808Gly (NM_005933.4); short protein forms E841G, E808G.
Identifiers: ClinVar variation 2783314 (VCV002783314.3), dbSNP rs1949981831, ClinGen allele CA382815194.

ClinVar aggregate classification (germline): Uncertain significance (1 of 4 stars; one submission).

Allele frequency attached by ClinVar (database versions not stated): gnomAD exomes below 0.00001; TOPMed below 0.00001.
gnomAD v4.1: 2 of 1,614,052 alleles (0.00012%); highest among the groups gnomAD compares: Non-Finnish European, 0.00017%; no homozygotes.

Submission:

Labcorp Genetics (formerly Invitae), Labcorp
Classification: Uncertain significance. Last evaluated: 2023-11-14. Review status: criteria provided, single submitter. Criteria: Invitae Variant Classification Sherloc (09022015). Collection method: clinical testing. Allele origin: germline.
Comment: This sequence change replaces glutamic acid, which is acidic and polar, with glycine, which is neutral and non-polar, at codon 808 of the KMT2A protein (p.Glu808Gly). This variant is not present in population databases (gnomAD no frequency). This variant has not been reported in the literature in individuals affected with KMT2A-related conditions. Advanced modeling of protein sequence and biophysical properties (such as structural, functional, and spatial information, amino acid conservation, physicochemical variation, residue mobility, and thermodynamic stability) performed at Invitae indicates that this missense variant is not expected to disrupt KMT2A protein function with a negative predictive value of 95%. In summary, the available evidence is currently insufficient to determine the role of this variant in disease. Therefore, it has been classified as a Variant of Uncertain Significance.